The following is an entry in ClinVar:

ClinVar aggregate classification (germline): Benign/Likely benign. Review status: criteria provided, multiple submitters, no conflicts (2 of 4 stars). 6 submissions from 6 submitters: Benign (2); Likely benign (4). Last evaluated 2026-02-03.

Conditions:
MYL4-related disorder. Also called: MYL4-related condition.
Atrial fibrillation, familial, 18 (ATFB18). Identifiers: MedGen C4310636, MONDO:0015001, OMIM 617280.

Allele frequency attached by ClinVar (database versions not stated): 1000 Genomes Project 30x 0.00109; 1000 Genomes Project 0.00140; TOPMed 0.00274; gnomAD 0.00309; gnomAD exomes 0.00357; ExAC 0.00407; ESP Exome Variant Server 0.00446.
gnomAD v4.1: 6,650 of 1,614,020 alleles (0.41%); highest among the groups gnomAD compares: Non-Finnish European, 0.48%; 21 homozygotes.

Submissions (6):

Labcorp Genetics (formerly Invitae), Labcorp
Classification: Benign for Atrial fibrillation, familial, 18. Last evaluated: 2026-02-03. Review status: criteria provided, single submitter. Criteria: Invitae Variant Classification Sherloc (09022015). Collection method: clinical testing. Allele origin: germline.

PreventionGenetics, part of Exact Sciences
Classification: Benign for MYL4-related condition. Last evaluated: 2025-06-11. Review status: criteria provided, single submitter. Criteria: ACMG Guidelines, 2015. Collection method: clinical testing. Allele origin: germline.
Comment: This variant is classified as benign based on ACMG/AMP sequence variant interpretation guidelines (Richards et al. 2015 PMID: 25741868, with internal and published modifications).

Blueprint Genetics
Classification: Likely benign. Last evaluated: 2024-11-26. Review status: criteria provided, single submitter. Criteria: ACMG Guidelines, 2015. Collection method: clinical testing. Allele origin: germline.

CeGaT Center for Human Genetics Tuebingen
Classification: Likely benign. Last evaluated: 2024-09-01. Review status: criteria provided, single submitter. Criteria: CeGaT Center For Human Genetics Tuebingen Variant Classification Criteria Version 2. Collection method: clinical testing. Allele origin: germline. Affected: yes. Observed: 1 variant allele.
Comment: MYL4: BP4, BS2

GeneDx
Classification: Likely benign. Last evaluated: 2021-03-25. Review status: criteria provided, single submitter. Criteria: GeneDx Variant Classification Process June 2021. Collection method: clinical testing. Allele origin: germline. Affected: yes.

Breakthrough Genomics
Classification: Likely benign. Review status: criteria provided, single submitter. Criteria: ACMG Guidelines, 2015. Collection method: not provided. Allele origin: germline. Inheritance: Autosomal dominant inheritance. Affected: yes.

NM_002476.2(MYL4):c.488-4G>A

Gene: MYL4 (myosin light chain 4; plus strand). Cytogenetic location: 17q21.32.
Variant type: single nucleotide variant.
Coding change: c.488-4G>A on transcript NM_002476.2 (MANE Select); 4 bases into the intron before coding-DNA position 488, G replaced by A.
Molecular consequence: intron variant.
Genome position (GRCh38, 1-based): chr17:47,222,376, G>A. VCF-style: chr17-47222376-G-A. GRCh37 (hg19) VCF-style: chr17-45299742-G-A.
Other names: c.488-4G>A (NM_001002841.2).
Identifiers: ClinVar variation 476206 (VCV000476206.31), dbSNP rs146859926, ClinGen allele CA8622775.